The following is an entry in ClinVar:

ClinVar aggregate classification (germline): Uncertain significance (1 of 4 stars; one submission).

Conditions:
Fanconi anemia complementation group J. Also called: BRIP1-Related Fanconi Anemia. Identifiers: Orphanet 84, MedGen C1836860, MONDO:0012187, OMIM 609054.
Familial cancer of breast. Also called: Hereditary breast cancer; hereditary breast carcinoma; BREAST CANCER, FAMILIAL. Identifiers: Orphanet 227535, MedGen C0346153, MONDO:0016419, OMIM 114480. Disease mechanism: loss of function.

Submission:

Labcorp Genetics (formerly Invitae), Labcorp
Classification: Uncertain significance for Familial cancer of breast; Fanconi anemia complementation group J. Last evaluated: 2022-10-14. Review status: criteria provided, single submitter. Criteria: Invitae Variant Classification Sherloc (09022015). Collection method: clinical testing. Allele origin: germline.
Comment: In summary, the available evidence is currently insufficient to determine the role of this variant in disease. Therefore, it has been classified as a Variant of Uncertain Significance. Algorithms developed to predict the effect of missense changes on protein structure and function are either unavailable or do not agree on the potential impact of this missense change (SIFT: "Not Available"; PolyPhen-2: "Probably Damaging"; Align-GVGD: "Not Available"). This variant has not been reported in the literature in individuals affected with BRIP1-related conditions. Information on the frequency of this variant in the gnomAD database is not available, as this variant may be reported differently in the database. This sequence change replaces tyrosine, which is neutral and polar, with cysteine, which is neutral and slightly polar, at codon 1137 of the BRIP1 protein (p.Tyr1137Cys).

NM_032043.3(BRIP1):c.3410_3411delinsGC (p.Tyr1137Cys)

Gene: BRIP1 (BRCA1 interacting DNA helicase 1; minus strand). Cytogenetic location: 17q23.2.
Variant type: Indel.
Coding change: c.3410_3411delinsGC on transcript NM_032043.3 (MANE Select); coding-DNA positions 3410 to 3411, AT replaced by GC.
Protein change: p.Tyr1137Cys; replaces tyrosine 1137 with cysteine.
Molecular consequence: missense variant.
Genome position (GRCh38, 1-based): chr17:61,683,635-61,683,636, AT replaced by GC on the plus strand (AT replaced by GC on the coding strand, the reverse complement: BRIP1 is on the minus strand). VCF-style: chr17-61683635-AT-GC. GRCh37 (hg19) VCF-style: chr17-59760996-AT-GC.
Other names: short protein forms Y1137C.
Identifiers: ClinVar variation 1941898 (VCV001941898.5), dbSNP rs2544556280, ClinGen allele CA2580094558.